The following is an entry in ClinVar:

NM_000038.6(APC):c.1783T>A (p.Leu595Met)

Gene: APC (APC regulator of Wnt signaling pathway; plus strand). Cytogenetic location: 5q22.2.
Variant type: single nucleotide variant.
Coding change: c.1783T>A on transcript NM_000038.6 (MANE Select); coding-DNA position 1783, T replaced by A.
Protein change: p.Leu595Met; replaces leucine 595 with methionine.
Molecular consequence: missense variant.
Genome position (GRCh38, 1-based): chr5:112,834,990, T>A. VCF-style: chr5-112834990-T-A. GRCh37 (hg19) VCF-style: chr5-112170687-T-A.
Other names: c.1783T>A, p.Leu595Met (NM_001127510.3, NM_001354895.2, NM_001407450.1); c.1729T>A, p.Leu577Met (NM_001127511.3); c.1837T>A, p.Leu613Met (NM_001354896.2, NM_001407447.1, NM_001407448.1 and 1 more transcripts); c.1813T>A, p.Leu605Met (NM_001354897.2); c.1708T>A, p.Leu570Met (NM_001354898.2); c.1699T>A, p.Leu567Met (NM_001354899.2); c.1660T>A, p.Leu554Met (NM_001354900.2); c.1606T>A, p.Leu536Met (NM_001354901.2, NM_001407453.1); and 11 more; short protein forms L435M, L577M, L588M, L312M, L554M, L567M, L585M, L595M.
Identifiers: ClinVar variation 1780051 (VCV001780051.2), dbSNP rs2149841380, ClinGen allele CA16025217.
Genomic context (GRCh38, chr5:112,834,990, plus strand): 5'-CCATATTCTGTTTCTTACTAGGAATCAACCCTCAAAAGCGTATTGAGTGCCTTATGGAAT[T>A]TGTCAGCACATTGCACTGAGAATAAAGCTGATATATGTGCTGTAGATGGTGCACTTGCAT-3'
Protein context (NP_000029.2, residues 585-605): LKSVLSALWN[Leu595Met]SAHCTENKAD

ClinVar aggregate classification (germline): Uncertain significance (1 of 4 stars; one submission).

Conditions:
Hereditary cancer-predisposing syndrome. Also called: Neoplastic Syndromes, Hereditary; Tumor predisposition; Hereditary Cancer Syndrome; Hereditary neoplastic syndrome. Identifiers: Orphanet 140162, MedGen C0027672, MeSH D009386, MONDO:0015356.

Submission:

Ambry Genetics
Classification: Uncertain significance for Hereditary cancer-predisposing syndrome. Last evaluated: 2020-11-10. Review status: criteria provided, single submitter. Criteria: Ambry Variant Classification Scheme 2023. Collection method: clinical testing. Allele origin: germline.
Comment: The p.L595M variant (also known as c.1783T>A), located in coding exon 14 of the APC gene, results from a T to A substitution at nucleotide position 1783. The leucine at codon 595 is replaced by methionine, an amino acid with highly similar properties. This amino acid position is highly conserved in available vertebrate species. In addition, in silico predictors for this gene do not accurately predict pathogenicity. Since supporting evidence is limited at this time, the clinical significance of this alteration remains unclear.